The following is an entry in ClinVar:

ClinVar aggregate classification (germline): Uncertain significance (1 of 4 stars; one submission).

Allele frequency attached by ClinVar (database versions not stated): gnomAD exomes below 0.00001.
gnomAD v4.1: 1 of 1,606,346 alleles (0.000062%); highest among the groups gnomAD compares: Non-Finnish European, 0.000085%; no homozygotes.

Submission:

Ambry Genetics
Classification: Uncertain significance. Last evaluated: 2024-01-26. Review status: criteria provided, single submitter. Criteria: Ambry Variant Classification Scheme 2023. Collection method: clinical testing. Allele origin: germline.
Comment: The p.E1677K variant (also known as c.5029G>A), located in coding exon 16 of the POLQ gene, results from a G to A substitution at nucleotide position 5029. The glutamic acid at codon 1677 is replaced by lysine, an amino acid with similar properties. This amino acid position is conserved. In addition, this alteration is predicted to be tolerated by in silico analysis. Based on the available evidence, the clinical significance of this alteration remains unclear.

NM_199420.4(POLQ):c.5029G>A (p.Glu1677Lys)

Gene: POLQ (DNA polymerase theta; minus strand). Cytogenetic location: 3q13.33.
Variant type: single nucleotide variant.
Coding change: c.5029G>A on transcript NM_199420.4 (MANE Select); coding-DNA position 5029, G replaced by A.
Protein change: p.Glu1677Lys; replaces glutamic acid 1677 with lysine.
Molecular consequence: missense variant.
Genome position (GRCh38, 1-based): chr3:121,487,902, C>T on the plus strand (G>A on the coding strand, the complement: POLQ is on the minus strand). VCF-style: chr3-121487902-C-T. GRCh37 (hg19) VCF-style: chr3-121206749-C-T.
Other names: short protein forms E1677K.
Identifiers: ClinVar variation 3230036 (VCV003230036.1), dbSNP rs1234328258, ClinGen allele CA354092312.
Genomic context (GRCh38, chr3:121,487,902, plus strand): 5'-AAGAAAATGAAATTCCCTGCACTTGTTTTGTCTCCAAGTTTGAAATAACTTCTTGTTCTT[C>T]ATTTAACTCTGTATTTTTTCTATTCAAACTGGAAAAGTTTATAGTCATTGATTTTAGCTT-3'
Protein context (NP_955452.3, residues 1667-1687): SLNRKNTELN[Glu1677Lys]EQEVISNLET